The following is an entry in ClinVar:

NM_015295.3(SMCHD1):c.2838T>C (p.Ala946=)

Gene: SMCHD1 (structural maintenance of chromosomes flexible hinge domain containing 1; plus strand). Cytogenetic location: 18p11.32.
Variant type: single nucleotide variant.
Coding change: c.2838T>C on transcript NM_015295.3 (MANE Select); coding-DNA position 2838, T replaced by C.
Protein change: p.Ala946=; no amino-acid change (alanine 946 retained).
Molecular consequence: synonymous variant.
Genome position (GRCh38, 1-based): chr18:2,728,521, T>C. VCF-style: chr18-2728521-T-C. GRCh37 (hg19) VCF-style: chr18-2728519-T-C.
Identifiers: ClinVar variation 498204 (VCV000498204.18), dbSNP rs375251871, ClinGen allele CA8871073.

ClinVar aggregate classification (germline): Conflicting classifications of pathogenicity. Review status: criteria provided, conflicting classifications (1 of 4 stars). 4 submissions from 4 submitters: Uncertain significance (1); Benign (1); Likely benign (1). 1 of the submissions does not count toward it. Last evaluated 2025-11-03.

Conditions:
SMCHD1-related disorder. Also called: SMCHD1-related condition.
Facioscapulohumeral muscular dystrophy 2 (FSHD2). Also called: MUSCULAR DYSTROPHY, FACIOSCAPULOHUMERAL, TYPE 1B; FACIOSCAPULOHUMERAL MUSCULAR DYSTROPHY 2, DIGENIC; FSHD2, DIGENIC. Identifiers: Orphanet 269, MedGen C1834671, MONDO:0008031, OMIM 158901.

Allele frequency attached by ClinVar (database versions not stated): gnomAD 0.00032 and 0.00037; ESP Exome Variant Server 0.00051; TOPMed 0.00053; gnomAD exomes 0.00003 and 0.00008; ExAC 0.00012.
gnomAD v4.1: 92 of 1,613,180 alleles (0.0057%); highest among the groups gnomAD compares: African/African-American, 0.11%; no homozygotes.

Submissions (4):

Labcorp Genetics (formerly Invitae), Labcorp
Classification: Likely benign for Facioscapulohumeral muscular dystrophy 2. Last evaluated: 2025-11-03. Review status: criteria provided, single submitter. Criteria: Invitae Variant Classification Sherloc (09022015). Collection method: clinical testing. Allele origin: germline.

Athena Diagnostics
Classification: Benign. Last evaluated: 2018-10-30. Review status: criteria provided, single submitter. Criteria: Athena Diagnostics Criteria. Collection method: clinical testing. Allele origin: germline.

Eurofins Ntd Llc (ga)
Classification: Uncertain significance. Last evaluated: 2016-10-26. Review status: criteria provided, single submitter. Criteria: EGL Classification Definitions 2015. Collection method: clinical testing. Allele origin: germline. Observed: 1 variant allele, 1 heterozygote.

PreventionGenetics, part of Exact Sciences
Classification: Likely benign for SMCHD1-related condition. Last evaluated: 2019-02-21. Review status: no assertion criteria provided. Collection method: clinical testing. Allele origin: germline. Not counted in ClinVar's aggregate classification.
Comment: This variant is classified as likely benign based on ACMG/AMP sequence variant interpretation guidelines (Richards et al. 2015 PMID: 25741868, with internal and published modifications).